The following is an entry in ClinVar:

ClinVar aggregate classification (germline): Uncertain significance (1 of 4 stars; one submission).

Conditions:
Hereditary cancer-predisposing syndrome. Also called: Hereditary neoplastic syndrome; Tumor predisposition; Hereditary Cancer Syndrome; Neoplastic Syndromes, Hereditary. Identifiers: Orphanet 140162, MedGen C0027672, MeSH D009386, MONDO:0015356.

Submission:

Color Diagnostics, LLC DBA Color Health
Classification: Uncertain significance for Hereditary cancer-predisposing syndrome. Last evaluated: 2023-12-05. Review status: criteria provided, single submitter. Criteria: ACMG Guidelines, 2015. Collection method: clinical testing. Allele origin: germline.
Comment: This missense variant replaces glutamine with glutamic acid at codon 1155 of the MSH6 protein. Computational prediction suggests that this variant may have deleterious impact on protein structure and function (internally defined REVEL score threshold >= 0.7, PMID: 27666373). To our knowledge, functional studies have not been reported for this variant. This variant has not been reported in individuals affected with MSH6-related disorders in the literature. This variant has not been identified in the general population by the Genome Aggregation Database (gnomAD). The available evidence is insufficient to determine the role of this variant in disease conclusively. Therefore, this variant is classified as a Variant of Uncertain Significance.

NM_000179.3(MSH6):c.3463C>G (p.Gln1155Glu)

Gene: MSH6 (mutS homolog 6; plus strand). Cytogenetic location: 2p16.3.
Variant type: single nucleotide variant.
Coding change: c.3463C>G on transcript NM_000179.3 (MANE Select); coding-DNA position 3463, C replaced by G.
Protein change: p.Gln1155Glu; replaces glutamine 1155 with glutamic acid.
Molecular consequence: missense variant.
Genome position (GRCh38, 1-based): chr2:47,804,934, C>G. VCF-style: chr2-47804934-C-G. GRCh37 (hg19) VCF-style: chr2-48032073-C-G.
Other names: c.3073C>G, p.Gln1025Glu (NM_001281492.2); c.2557C>G, p.Gln853Glu (NM_001281493.2, NM_001281494.2); short protein forms Q1155E, Q1025E, Q853E.
Identifiers: ClinVar variation 491942 (VCV000491942.5), dbSNP rs1553332166, ClinGen allele CA346760049.